The following is an entry in ClinVar:

ClinVar aggregate classification (germline): Likely benign. Review status: criteria provided, multiple submitters, no conflicts (2 of 4 stars). 3 submissions from 3 submitters: Likely benign (3). Last evaluated 2025-09-25.

Conditions:
Hereditary cancer-predisposing syndrome. Also called: Tumor predisposition; Hereditary neoplastic syndrome; Neoplastic Syndromes, Hereditary; Hereditary Cancer Syndrome. Identifiers: Orphanet 140162, MedGen C0027672, MeSH D009386, MONDO:0015356.
Gorlin syndrome. Also called: Nevoid Basal Cell Carcinoma Syndrome; Basal cell nevus syndrome. Identifiers: Orphanet 377, MedGen C0004779, MONDO:0007187.
PTCH1-related disorder. Also called: PTCH1-related disorders; PTCH1-related condition.

Allele frequency attached by ClinVar (database versions not stated): TOPMed below 0.00001; gnomAD 0.00001; 1000 Genomes Project 0.00020; 1000 Genomes Project 30x 0.00031.
gnomAD v4.1: 4 of 1,610,944 alleles (0.00025%); highest among the groups gnomAD compares: East Asian, 0.0022%; no homozygotes.

Submissions (3):

PreventionGenetics, part of Exact Sciences
Classification: Likely benign for PTCH1-related condition. Last evaluated: 2025-09-25. Review status: criteria provided, single submitter. Criteria: ACMG Guidelines, 2015. Collection method: clinical testing. Allele origin: germline.
Comment: This variant is classified as likely benign based on ACMG/AMP sequence variant interpretation guidelines (Richards et al. 2015 PMID: 25741868, with internal and published modifications).

Labcorp Genetics (formerly Invitae), Labcorp
Classification: Likely benign for Gorlin syndrome. Last evaluated: 2025-08-13. Review status: criteria provided, single submitter. Criteria: Invitae Variant Classification Sherloc (09022015). Collection method: clinical testing. Allele origin: germline.

Ambry Genetics
Classification: Likely benign for Hereditary cancer-predisposing syndrome. Last evaluated: 2017-07-19. Review status: criteria provided, single submitter. Criteria: Ambry Variant Classification Scheme 2023. Collection method: clinical testing. Allele origin: germline.

NM_000264.5(PTCH1):c.204G>T (p.Gly68=)

Gene: PTCH1 (patched 1; minus strand). Cytogenetic location: 9q22.32.
Variant type: single nucleotide variant.
Coding change: c.204G>T on transcript NM_000264.5 (MANE Select); coding-DNA position 204, G replaced by T.
Protein change: p.Gly68=; no amino-acid change (glycine 68 retained).
Molecular consequence: synonymous variant. On other transcripts: 5 prime UTR variant (4), non-coding transcript variant (1).
Genome position (GRCh38, 1-based): chr9:95,506,597, C>A on the plus strand (G>T on the coding strand, the complement: PTCH1 is on the minus strand). VCF-style: chr9-95506597-C-A. GRCh37 (hg19) VCF-style: chr9-98268879-C-A.
Other names: c.6G>T, p.Gly2= (NM_001083602.3, NM_001354919.2); c.201G>T, p.Gly67= (NM_001083603.3); c.-250G>T (NM_001083604.3, NM_001083605.3, NM_001083606.3 and 1 more transcripts); c.204G>T, p.Gly68= (NM_001354918.2).
Identifiers: ClinVar variation 453811 (VCV000453811.16), dbSNP rs547930654, ClinGen allele CA196553434.